The following is an entry in ClinVar:

NM_001130009.3(GEN1):c.8T>C (p.Val3Ala)

Gene: GEN1 (GEN1 structure-specific endonuclease; plus strand). Cytogenetic location: 2p24.2.
Variant type: single nucleotide variant.
Coding change: c.8T>C on transcript NM_001130009.3 (MANE Select); coding-DNA position 8, T replaced by C.
Protein change: p.Val3Ala; replaces valine 3 with alanine.
Molecular consequence: missense variant.
Genome position (GRCh38, 1-based): chr2:17,759,951, T>C. VCF-style: chr2-17759951-T-C. GRCh37 (hg19) VCF-style: chr2-17941218-T-C.
Other names: c.8T>C, p.Val3Ala (NM_182625.5); short protein forms V3A.
Identifiers: ClinVar variation 1967812 (VCV001967812.5), dbSNP rs2545543097, ClinGen allele CA345904536.

ClinVar aggregate classification (germline): Uncertain significance (1 of 4 stars; one submission).

Submission:

Labcorp Genetics (formerly Invitae), Labcorp
Classification: Uncertain significance. Last evaluated: 2021-12-05. Review status: criteria provided, single submitter. Criteria: Invitae Variant Classification Sherloc (09022015). Collection method: clinical testing. Allele origin: germline.
Comment: This variant has not been reported in the literature in individuals affected with GEN1-related conditions. This variant is not present in population databases (gnomAD no frequency). This sequence change replaces valine, which is neutral and non-polar, with alanine, which is neutral and non-polar, at codon 3 of the GEN1 protein (p.Val3Ala). In summary, the available evidence is currently insufficient to determine the role of this variant in disease. Therefore, it has been classified as a Variant of Uncertain Significance. Algorithms developed to predict the effect of missense changes on protein structure and function are either unavailable or do not agree on the potential impact of this missense change (SIFT: "Deleterious"; PolyPhen-2: "Probably Damaging"; Align-GVGD: "Class C0").